The following is an entry in ClinVar:

ClinVar aggregate classification (germline): Uncertain significance (1 of 4 stars; one submission).

Submission:

Labcorp Genetics (formerly Invitae), Labcorp
Classification: Uncertain significance. Last evaluated: 2022-05-04. Review status: criteria provided, single submitter. Criteria: Invitae Variant Classification Sherloc (09022015). Collection method: clinical testing. Allele origin: unknown.
Comment: In summary, the available evidence is currently insufficient to determine the role of this variant in disease. Therefore, it has been classified as a Variant of Uncertain Significance. This variant results in a copy number gain of the genomic region encompassing exon(s) 2-3 of the XRCC2 gene. This region includes the termination codon of the gene. This copy number gain extends beyond the assayed region for this gene and therefore may encompass additional genes. As the precise location of this event is unknown, it may be in tandem or it may be located elsewhere in the genome. This variant has not been reported in the literature in individuals affected with XRCC2-related conditions. Experimental studies and prediction algorithms are not available or were not evaluated, and the functional significance of this variant is currently unknown.

NC_000007.13:g.(?_152132691)_(152357887_?)dup

Genes: KMT2C (lysine methyltransferase 2C; minus strand), XRCC2 (X-ray repair cross complementing 2; minus strand). Cytogenetic location: 7q36.1.
Variant type: Duplication.
Identifiers: ClinVar variation 3245891 (VCV003245891.1).